The following is an entry in ClinVar:

ClinVar aggregate classification (germline): Uncertain significance (1 of 4 stars; one submission).

Conditions:
Cardiomyopathy (CMYO). Also called: Cardiomyopathies. Identifiers: Orphanet 167848, MedGen C0878544, MONDO:0004994, HP:0001638. Inheritance: Various modes of inheritance.

Submission:

Color Diagnostics, LLC DBA Color Health
Classification: Uncertain significance for Cardiomyopathy. Last evaluated: 2025-06-23. Review status: criteria provided, single submitter. Criteria: ACMG Guidelines, 2015. Collection method: clinical testing. Allele origin: germline.
Comment: This missense variant replaces alanine with valine at codon 691 of the DSG2 protein. Computational prediction suggests that this variant may not impact protein structure and function. To our knowledge, functional studies have not been reported for this variant. This variant has not been reported in individuals affected with DSG2-related disorders in the literature. This variant has not been identified in the general population by the Genome Aggregation Database (gnomAD). The available evidence is insufficient to determine the role of this variant in disease conclusively. Therefore, this variant is classified as a Variant of Uncertain Significance.

NM_001943.5(DSG2):c.2072C>T (p.Ala691Val)

Genes: DSG2-AS1 (DSG2 antisense RNA 1; minus strand), DSG2 (desmoglein 2; plus strand). Cytogenetic location: 18q12.1.
Variant type: single nucleotide variant.
Coding change: c.2072C>T on transcript NM_001943.5 (MANE Select); coding-DNA position 2072, C replaced by T.
Protein change: p.Ala691Val; replaces alanine 691 with valine.
Molecular consequence: missense variant.
Genome position (GRCh38, 1-based): chr18:31,542,590, C>T. VCF-style: chr18-31542590-C-T. GRCh37 (hg19) VCF-style: chr18-29122553-C-T.
Other names: short protein forms A691V.
Identifiers: ClinVar variation 4757008 (VCV004757008.1).